The following is an entry in ClinVar:

NM_015973.5(GAL):c.263G>A (p.Arg88His)

Gene: GAL (galanin and GMAP prepropeptide; plus strand). Cytogenetic location: 11q13.2.
Variant type: single nucleotide variant.
Coding change: c.263G>A on transcript NM_015973.5 (MANE Select); coding-DNA position 263, G replaced by A.
Protein change: p.Arg88His; replaces arginine 88 with histidine.
Molecular consequence: missense variant.
Genome position (GRCh38, 1-based): chr11:68,688,888, G>A. VCF-style: chr11-68688888-G-A. GRCh37 (hg19) VCF-style: chr11-68456356-G-A.
Other names: short protein forms R88H.
Identifiers: ClinVar variation 475912 (VCV000475912.11), dbSNP rs778530092, ClinGen allele CA6151517.

ClinVar aggregate classification (germline): Uncertain significance. Review status: criteria provided, multiple submitters, no conflicts (2 of 4 stars). 2 submissions from 2 submitters: Uncertain significance (2). Last evaluated 2022-09-07.

Conditions:
Familial temporal lobe epilepsy 8. Identifiers: Orphanet 101046, MedGen C4225318, MONDO:0014650, OMIM 616461.

Allele frequency attached by ClinVar (database versions not stated): gnomAD 0.00001; gnomAD exomes 0.00002 and 0.00006; TOPMed 0.00007; ExAC 0.00003.

Submissions (2):

Labcorp Genetics (formerly Invitae), Labcorp
Classification: Uncertain significance for Familial temporal lobe epilepsy 8. Last evaluated: 2022-09-07. Review status: criteria provided, single submitter. Criteria: Invitae Variant Classification Sherloc (09022015). Collection method: clinical testing. Allele origin: germline.
Comment: This variant is present in population databases (rs778530092, gnomAD 0.04%). In summary, the available evidence is currently insufficient to determine the role of this variant in disease. Therefore, it has been classified as a Variant of Uncertain Significance. Algorithms developed to predict the effect of missense changes on protein structure and function are either unavailable or do not agree on the potential impact of this missense change (SIFT: "Not Available"; PolyPhen-2: "Benign"; Align-GVGD: "Not Available"). ClinVar contains an entry for this variant (Variation ID: 475912). This variant has not been reported in the literature in individuals affected with GAL-related conditions. This sequence change replaces arginine, which is basic and polar, with histidine, which is basic and polar, at codon 88 of the GAL protein (p.Arg88His).

Ambry Genetics
Classification: Uncertain significance. Last evaluated: 2021-09-16. Review status: criteria provided, single submitter. Criteria: Ambry Variant Classification Scheme 2023. Collection method: clinical testing. Allele origin: germline.